The following is an entry in ClinVar:

NM_002778.4(PSAP):c.1057del (p.Leu353fs)

Gene: PSAP (prosaposin; minus strand). Cytogenetic location: 10q22.1.
Variant type: Deletion.
Coding change: c.1057del on transcript NM_002778.4 (MANE Select); coding-DNA position 1057, one base deleted (C; older notation c.1057delC).
Protein change: p.Leu353fs; shifts the reading frame from leucine 353.
Molecular consequence: frameshift variant.
Genome position (GRCh38, 1-based): chr10:71,819,849, G deleted on the plus strand (C on the coding strand, the reverse complement: PSAP is on the minus strand); the first of 3 consecutive G bases (chr10:71,819,849-71,819,851); deleting any one gives the same sequence. VCF-style (leftmost placement, unchanged base first): chr10-71819848-AG-A. GRCh37 (hg19) VCF-style: chr10-73579605-AG-A.
Other names: c.1066del, p.Leu356fs (NM_001042465.3); c.1063del, p.Leu355fs (NM_001042466.3); short protein forms L353fs, L355fs, L356fs.
Identifiers: ClinVar variation 4815074 (VCV004815074.1).

ClinVar aggregate classification (germline): Likely pathogenic (1 of 4 stars; one submission).

Conditions:
Metachromatic leukodystrophy (MLD). Also called: Cerebral sclerosis diffuse metachromatic form; Arylsulfatase A Deficiency; ARSA DEFICIENCY; CEREBROSIDE SULFATASE DEFICIENCY; METACHROMATIC LEUKOENCEPHALOPATHY; SULFATIDE LIPIDOSIS. Identifiers: Orphanet 512, MedGen C0023522, MONDO:0018868, OMIM 250100.

Submission:

Natera, Inc.
Classification: Likely pathogenic for Metachromatic leukodystrophy. Last evaluated: 2024-12-26. Review status: criteria provided, single submitter. Criteria: Natera Variant Classification Schema (03/2026). Collection method: clinical testing. Allele origin: germline.
Comment: The c.1057del variant in PSAP is a frameshift variant predicted to shift the reading frame beginning at codon 353 and leads to a stop codon 44 codons downstream. This variant is expected to result in nonsense mediated decay, truncation, or a dysfunctional protein product. This variant is rare in the general population with a frequency below the threshold expected for the associated phenotype(s). Given the available evidence, this variant is classified as Likely Pathogenic.